The following is an entry in ClinVar:

NM_000023.4(SGCA):c.13C>G (p.Leu5Val)

Gene: SGCA (sarcoglycan alpha; plus strand). Cytogenetic location: 17q21.33.
Variant type: single nucleotide variant.
Coding change: c.13C>G on transcript NM_000023.4 (MANE Select); coding-DNA position 13, C replaced by G.
Protein change: p.Leu5Val; replaces leucine 5 with valine.
Molecular consequence: missense variant. On other transcripts: non-coding transcript variant (1).
Genome position (GRCh38, 1-based): chr17:50,166,053, C>G. VCF-style: chr17-50166053-C-G. GRCh37 (hg19) VCF-style: chr17-48243414-C-G.
Other names: c.13C>G, p.Leu5Val (NM_001135697.3); short protein forms L5V.
Identifiers: ClinVar variation 1443684 (VCV001443684.8), dbSNP rs2144488329, ClinGen allele CA400210586.

ClinVar aggregate classification (germline): Uncertain significance. Review status: criteria provided, multiple submitters, no conflicts (2 of 4 stars). 4 submissions from 4 submitters: Uncertain significance (4). Last evaluated 2023-04-27.

Conditions:
Autosomal recessive limb-girdle muscular dystrophy type 2D (LGMDR3). Also called: ADHALINOPATHY, PRIMARY; DUCHENNE-LIKE AUTOSOMAL RECESSIVE MUSCULAR DYSTROPHY, TYPE 2; MUSCULAR DYSTROPHY, LIMB-GIRDLE, AUTOSOMAL RECESSIVE 3. Identifiers: Orphanet 62, MedGen C2936332, MONDO:0011968, OMIM 608099. Disease mechanism: Affects gamma-sarcoglycan and also disrupts the integrity of the entire sarcoglycan complex..

gnomAD v4.1: 1 of 1,613,702 alleles (0.000062%); no homozygotes.

Submissions (4):

Revvity Omics, Revvity
Classification: Uncertain significance for Autosomal recessive limb-girdle muscular dystrophy type 2D. Last evaluated: 2023-04-27. Review status: criteria provided, single submitter. Criteria: ACMG Guidelines, 2015. Collection method: clinical testing. Allele origin: germline.

Genome-Nilou Lab
Classification: Uncertain significance for Autosomal recessive limb-girdle muscular dystrophy type 2D. Last evaluated: 2023-02-08. Review status: criteria provided, single submitter. Criteria: ACMG Guidelines, 2015. Collection method: clinical testing. Allele origin: germline.

Fulgent Genetics
Classification: Uncertain significance for Autosomal recessive limb-girdle muscular dystrophy type 2D. Last evaluated: 2021-12-16. Review status: criteria provided, single submitter. Criteria: ACMG Guidelines, 2015. Collection method: clinical testing. Allele origin: unknown.

Labcorp Genetics (formerly Invitae), Labcorp
Classification: Uncertain significance for Autosomal recessive limb-girdle muscular dystrophy type 2D. Last evaluated: 2021-09-24. Review status: criteria provided, single submitter. Criteria: Invitae Variant Classification Sherloc (09022015). Collection method: clinical testing. Allele origin: germline.
Comment: This sequence change replaces leucine with valine at codon 5 of the SGCA protein (p.Leu5Val). The leucine residue is weakly conserved and there is a small physicochemical difference between leucine and valine. This variant is not present in population databases (ExAC no frequency). This variant has not been reported in the literature in individuals with SGCA-related conditions. Algorithms developed to predict the effect of missense changes on protein structure and function output the following: SIFT: "Tolerated"; PolyPhen-2: "Benign"; Align-GVGD: "Class C0". The valine amino acid residue is found in multiple mammalian species, suggesting that this missense change does not adversely affect protein function. These predictions have not been confirmed by published functional studies and their clinical significance is uncertain. In summary, the available evidence is currently insufficient to determine the role of this variant in disease. Therefore, it has been classified as a Variant of Uncertain Significance.